The following is an entry in ClinVar:

NM_014822.4(SEC24D):c.2983C>T (p.Gln995Ter)

Gene: SEC24D (SEC24 homolog D, COPII component; minus strand). Cytogenetic location: 4q26.
Variant type: single nucleotide variant.
Coding change: c.2983C>T on transcript NM_014822.4 (MANE Select); coding-DNA position 2983, C replaced by T.
Protein change: p.Gln995Ter; replaces glutamine 995 with a stop codon.
Molecular consequence: nonsense.
Genome position (GRCh38, 1-based): chr4:118,723,631, G>A on the plus strand (C>T on the coding strand, the complement: SEC24D is on the minus strand). VCF-style: chr4-118723631-G-A. GRCh37 (hg19) VCF-style: chr4-119644786-G-A.
Other names: c.2986C>T, p.Gln996Ter (NM_001318066.2); short protein forms Q995*, Q996*.
Identifiers: ClinVar variation 1381110 (VCV001381110.6), dbSNP rs2110420831, ClinGen allele CA358003470.

ClinVar aggregate classification (germline): Pathogenic (1 of 4 stars; one submission).

Allele frequency attached by ClinVar (database versions not stated): gnomAD exomes below 0.00001.
gnomAD v4.1: 1 of 1,612,578 alleles (0.000062%); highest among the groups gnomAD compares: South Asian, 0.0011%; no homozygotes.

Submission:

Labcorp Genetics (formerly Invitae), Labcorp
Classification: Pathogenic. Last evaluated: 2022-06-28. Review status: criteria provided, single submitter. Criteria: Invitae Variant Classification Sherloc (09022015). Collection method: clinical testing. Allele origin: germline.
Comment: For these reasons, this variant has been classified as Pathogenic. This variant disrupts a region of the SEC24D protein in which other variant(s) (p.Ser1015Phe) have been determined to be pathogenic (PMID: 25683121). This suggests that this is a clinically significant region of the protein, and that variants that disrupt it are likely to be disease-causing. This variant has not been reported in the literature in individuals affected with SEC24D-related conditions. This variant is not present in population databases (gnomAD no frequency). This sequence change creates a premature translational stop signal (p.Gln995*) in the SEC24D gene. While this is not anticipated to result in nonsense mediated decay, it is expected to disrupt the last 38 amino acid(s) of the SEC24D protein.

Literature cited by the submitters: PubMed 25683121.